The following is an entry in ClinVar:

NM_000031.6(ALAD):c.397+12C>T

Gene: ALAD (aminolevulinate dehydratase; minus strand). Cytogenetic location: 9q32.
Variant type: single nucleotide variant.
Coding change: c.397+12C>T on transcript NM_000031.6 (MANE Select); 12 bases into the intron after coding-DNA position 397, C replaced by T.
Molecular consequence: intron variant.
Genome position (GRCh38, 1-based): chr9:113,390,786, G>A on the plus strand (C>T on the coding strand, the complement: ALAD is on the minus strand). VCF-style: chr9-113390786-G-A. GRCh37 (hg19) VCF-style: chr9-116153066-G-A.
Other names: p.?; c.484+12C>T (NM_001003945.3); c.373+12C>T (NM_001317745.2).
Identifiers: ClinVar variation 364651 (VCV000364651.17), dbSNP rs8177805, ClinGen allele CA5196518.

ClinVar aggregate classification (germline): Benign. Review status: criteria provided, multiple submitters, no conflicts (2 of 4 stars). 5 submissions from 5 submitters: Benign (5). Last evaluated 2026-02-01.

Conditions:
Porphobilinogen synthase deficiency. Also called: ALAD DEFICIENCY; DELTA-AMINOLEVULINATE DEHYDRATASE DEFICIENCY; DOSS PORPHYRIA; PORPHYRIA, ALAD; Porphyria due to ALA dehydratase deficiency. Identifiers: Orphanet 100924, MedGen C0268328, MONDO:0013000, OMIM 612740.

Allele frequency attached by ClinVar (database versions not stated): gnomAD exomes 0.08005 and 0.07486; gnomAD 0.08184 and 0.08288; TOPMed 0.07834; ExAC 0.09240; 1000 Genomes Project 30x 0.07823; 1000 Genomes Project 0.07867; ESP Exome Variant Server 0.08244.
gnomAD v4.1: 128,588 of 1,604,504 alleles (8%); highest among the groups gnomAD compares: African/African-American, 8.9%; 5,475 homozygotes.

Submissions (5):

Labcorp Genetics (formerly Invitae), Labcorp
Classification: Benign. Last evaluated: 2026-02-01. Review status: criteria provided, single submitter. Criteria: Invitae Variant Classification Sherloc (09022015). Collection method: clinical testing. Allele origin: germline.

Mayo Clinic Laboratories, Mayo Clinic
Classification: Benign. Last evaluated: 2022-04-17. Review status: criteria provided, single submitter. Criteria: ACMG Guidelines, 2015. Collection method: clinical testing. Allele origin: germline. Observed: 93 variant alleles.

GeneDx
Classification: Benign. Last evaluated: 2021-06-18. Review status: criteria provided, single submitter. Criteria: GeneDx Variant Classification Process June 2021. Collection method: clinical testing. Allele origin: germline. Affected: yes.

Illumina Laboratory Services, Illumina
Classification: Benign for Porphobilinogen synthase deficiency. Last evaluated: 2018-01-12. Review status: criteria provided, single submitter. Criteria: ICSL Variant Classification Criteria 13 December 2019. Collection method: clinical testing. Allele origin: germline.
Comment: This variant was observed in the ICSL laboratory as part of a predisposition screen in an ostensibly healthy population. It had not been previously curated by ICSL or reported in the Human Gene Mutation Database (HGMD: prior to June 1st, 2018), and was therefore a candidate for classification through an automated scoring system. Utilizing variant allele frequency, disease prevalence and penetrance estimates, and inheritance mode, an automated score was calculated to assess if this variant is too frequent to cause the disease. Based on the score and internal cut-off values, a variant classified as benign is not then subjected to further curation. The score for this variant resulted in a classification of benign for this disease.

Breakthrough Genomics
Classification: Benign. Review status: criteria provided, single submitter. Criteria: ACMG Guidelines, 2015. Collection method: not provided. Allele origin: germline. Inheritance: Autosomal recessive inheritance. Affected: yes.